The following is an entry in ClinVar:

ClinVar aggregate classification (germline): Uncertain significance. Review status: criteria provided, multiple submitters, no conflicts (2 of 4 stars). 4 submissions from 4 submitters: Uncertain significance (4). Last evaluated 2026-01-30.

Conditions:
Hereditary cancer-predisposing syndrome. Also called: Tumor predisposition; Hereditary neoplastic syndrome; Hereditary Cancer Syndrome; Neoplastic Syndromes, Hereditary. Identifiers: Orphanet 140162, MedGen C0027672, MeSH D009386, MONDO:0015356.
Colorectal cancer, susceptibility to, 12 (CRCS12). Also called: COLORECTAL CANCER, SUSCEPTIBILITY TO, ON CHROMOSOME 12q24. Identifiers: Orphanet 220460, MedGen C3554460, MONDO:0014038, OMIM 615083.
Facial dysmorphism-immunodeficiency-livedo-short stature syndrome. Also called: FILS syndrome; Facial dysmorphism, immunodeficiency, livedo, and short stature. Identifiers: Orphanet 352712, MedGen C3554576, MONDO:0014058, OMIM 615139.
Intrauterine growth retardation, metaphyseal dysplasia, adrenal hypoplasia congenita, genital anomalies, and immunodeficiency. Also called: IMAGEI SYNDROME. Identifiers: MedGen C5193036, MONDO:0032684, OMIM 618336.

Allele frequency attached by ClinVar (database versions not stated): gnomAD exomes below 0.00001; ESP Exome Variant Server 0.00008; gnomAD 0.00001; TOPMed 0.00005.
gnomAD v4.1: 5 of 1,613,514 alleles (0.00031%); highest among the groups gnomAD compares: African/African-American, 0.0067%; no homozygotes.

Submissions (4):

Labcorp Genetics (formerly Invitae), Labcorp
Classification: Uncertain significance. Last evaluated: 2026-01-30. Review status: criteria provided, single submitter. Criteria: Invitae Variant Classification Sherloc (09022015). Collection method: clinical testing. Allele origin: germline.
Comment: This sequence change replaces valine, which is neutral and non-polar, with alanine, which is neutral and non-polar, at codon 2108 of the POLE protein (p.Val2108Ala). This variant is not present in population databases (gnomAD no frequency). This variant has not been reported in the literature in individuals affected with POLE-related conditions. ClinVar contains an entry for this variant (Variation ID: 963969). Invitae Evidence Modeling of protein sequence and biophysical properties (such as structural, functional, and spatial information, amino acid conservation, physicochemical variation, residue mobility, and thermodynamic stability) indicates that this missense variant is not expected to disrupt POLE protein function with a negative predictive value of 80%. In summary, the available evidence is currently insufficient to determine the role of this variant in disease. Therefore, it has been classified as a Variant of Uncertain Significance.

Ambry Genetics
Classification: Uncertain significance for Hereditary cancer-predisposing syndrome. Last evaluated: 2025-03-27. Review status: criteria provided, single submitter. Criteria: Ambry Variant Classification Scheme 2023. Collection method: clinical testing. Allele origin: germline.
Comment: The p.V2108A variant (also known as c.6323T>C), located in coding exon 45 of the POLE gene, results from a T to C substitution at nucleotide position 6323. The valine at codon 2108 is replaced by alanine, an amino acid with similar properties. This amino acid position is highly conserved in available vertebrate species. In addition, the in silico prediction for this alteration is inconclusive. Based on the available evidence, the clinical significance of this variant remains unclear.

GeneDx
Classification: Uncertain significance. Last evaluated: 2024-09-23. Review status: criteria provided, single submitter. Criteria: GeneDx Variant Classification Process June 2021. Collection method: clinical testing. Allele origin: germline. Affected: yes.
Comment: Not observed at significant frequency in large population cohorts (gnomAD); In silico analysis supports that this missense variant has a deleterious effect on protein structure/function; Has not been previously published as pathogenic or benign to our knowledge

Fulgent Genetics
Classification: Uncertain significance for Colorectal cancer, susceptibility to, 12; Facial dysmorphism-immunodeficiency-livedo-short stature syndrome; Intrauterine growth retardation, metaphyseal dysplasia, adrenal hypoplasia congenita, genital anomalies, and immunodeficiency. Last evaluated: 2024-05-31. Review status: criteria provided, single submitter. Criteria: ACMG Guidelines, 2015. Collection method: clinical testing. Allele origin: germline.

NM_006231.4(POLE):c.6323T>C (p.Val2108Ala)

Gene: POLE (DNA polymerase epsilon, catalytic subunit; minus strand). Cytogenetic location: 12q24.33.
Variant type: single nucleotide variant.
Coding change: c.6323T>C on transcript NM_006231.4 (MANE Select); coding-DNA position 6323, T replaced by C.
Protein change: p.Val2108Ala; replaces valine 2108 with alanine.
Molecular consequence: missense variant.
Genome position (GRCh38, 1-based): chr12:132,632,322, A>G on the plus strand (T>C on the coding strand, the complement: POLE is on the minus strand). VCF-style: chr12-132632322-A-G. GRCh37 (hg19) VCF-style: chr12-133208908-A-G.
Other names: short protein forms V2108A.
Identifiers: ClinVar variation 963969 (VCV000963969.12), dbSNP rs370363095, ClinGen allele CA246292588.